The following is an entry in ClinVar:

NM_024675.4(PALB2):c.885_886insG (p.Met296fs)

Gene: PALB2 (partner and localizer of BRCA2; minus strand). Cytogenetic location: 16p12.2.
Variant type: Insertion.
Coding change: c.885_886insG on transcript NM_024675.4 (MANE Select); coding-DNA positions 885 to 886, G inserted.
Protein change: p.Met296fs; shifts the reading frame from methionine 296.
Molecular consequence: frameshift variant.
Genome position: GRCh38 VCF-style: chr16-23635660-T-TC. GRCh37 (hg19) VCF-style: chr16-23646981-T-TC.
Other names: short protein forms M296fs.
Identifiers: ClinVar variation 822776 (VCV000822776.16), dbSNP rs1597097936, ClinGen allele CA915949210.

ClinVar aggregate classification (germline): Pathogenic/Likely pathogenic. Review status: criteria provided, multiple submitters, no conflicts (2 of 4 stars). 4 submissions from 4 submitters: Pathogenic (3); Likely pathogenic (1). Last evaluated 2025-06-11.

Conditions:
Hereditary cancer-predisposing syndrome. Also called: Tumor predisposition; Hereditary Cancer Syndrome; Neoplastic Syndromes, Hereditary; Hereditary neoplastic syndrome. Identifiers: Orphanet 140162, MedGen C0027672, MeSH D009386, MONDO:0015356.
Familial cancer of breast. Also called: BREAST CANCER, FAMILIAL; Hereditary breast cancer; hereditary breast carcinoma. Identifiers: Orphanet 227535, MedGen C0346153, MONDO:0016419, OMIM 114480. Disease mechanism: loss of function.

Submissions (4):

Ambry Genetics
Classification: Pathogenic for Hereditary cancer-predisposing syndrome. Last evaluated: 2025-06-11. Review status: criteria provided, single submitter. Criteria: Ambry Variant Classification Scheme 2023. Collection method: clinical testing. Allele origin: germline.
Comment: The c.885_886insG pathogenic mutation, located in coding exon 4 of the PALB2 gene, results from an insertion of one nucleotide at position 885, causing a translational frameshift with a predicted alternate stop codon (p.M296Dfs*7). This alteration is expected to result in loss of function by premature protein truncation or nonsense-mediated mRNA decay. As such, this alteration is interpreted as a disease-causing mutation.

Baylor Genetics
Classification: Likely pathogenic for Familial cancer of breast. Last evaluated: 2023-10-04. Review status: criteria provided, single submitter. Criteria: ACMG Guidelines, 2015. Collection method: clinical testing. Allele origin: unknown.

Myriad Genetics, Inc.
Classification: Pathogenic for Familial cancer of breast. Last evaluated: 2023-09-07. Review status: criteria provided, single submitter. Criteria: Myriad Autosomal Dominant, Autosomal Recessive and X-Linked Classification Criteria (2023). Collection method: clinical testing. Allele origin: unknown.
Comment: This variant is considered pathogenic. This variant creates a frameshift predicted to result in premature protein truncation.

Labcorp Genetics (formerly Invitae), Labcorp
Classification: Pathogenic for Familial cancer of breast. Last evaluated: 2020-07-23. Review status: criteria provided, single submitter. Criteria: Invitae Variant Classification Sherloc (09022015). Collection method: clinical testing. Allele origin: germline.
Comment: For these reasons, this variant has been classified as Pathogenic. Loss-of-function variants in PALB2 are known to be pathogenic (PMID: 17200668, 24136930, 25099575). This variant has not been reported in the literature in individuals with PALB2-related conditions. This variant is not present in population databases (ExAC no frequency). This sequence change creates a premature translational stop signal (p.Met296Aspfs*7) in the PALB2 gene. It is expected to result in an absent or disrupted protein product.

Literature cited by the submitters: PubMed 17200668 (cited by Labcorp Genetics (formerly Invitae), Labcorp); PubMed 24136930 (cited by Labcorp Genetics (formerly Invitae), Labcorp); PubMed 25099575 (cited by Labcorp Genetics (formerly Invitae), Labcorp).